The following is an entry in ClinVar:

ClinVar aggregate classification (germline): Uncertain significance (1 of 4 stars; one submission).

Conditions:
Juvenile polyposis syndrome (JPS). Identifiers: Orphanet 2929, MedGen C0345893, MONDO:0017380, OMIM 174900.

Submission:

Labcorp Genetics (formerly Invitae), Labcorp
Classification: Uncertain significance for Juvenile polyposis syndrome. Last evaluated: 2020-03-12. Review status: criteria provided, single submitter. Criteria: Invitae Variant Classification Sherloc (09022015). Collection method: clinical testing. Allele origin: germline.
Comment: Algorithms developed to predict the effect of missense changes on protein structure and function are either unavailable or do not agree on the potential impact of this missense change (SIFT: "Tolerated"; PolyPhen-2: "Probably Damaging"; Align-GVGD: "Class C0"). In summary, the available evidence is currently insufficient to determine the role of this variant in disease. Therefore, it has been classified as a Variant of Uncertain Significance. This variant has not been reported in the literature in individuals with SMAD4-related conditions. This sequence change replaces valine with isoleucine at codon 348 of the SMAD4 protein (p.Val348Ile). The valine residue is highly conserved and there is a small physicochemical difference between valine and isoleucine. This variant is not present in population databases (ExAC no frequency).

NM_005359.6(SMAD4):c.1042G>A (p.Val348Ile)

Gene: SMAD4 (SMAD family member 4; plus strand). Cytogenetic location: 18q21.2.
Variant type: single nucleotide variant.
Coding change: c.1042G>A on transcript NM_005359.6 (MANE Select); coding-DNA position 1042, G replaced by A.
Protein change: p.Val348Ile; replaces valine 348 with isoleucine.
Molecular consequence: missense variant.
Genome position (GRCh38, 1-based): chr18:51,065,509, G>A. VCF-style: chr18-51065509-G-A. GRCh37 (hg19) VCF-style: chr18-48591879-G-A.
Other names: short protein forms V348I.
Identifiers: ClinVar variation 1003035 (VCV001003035.8), dbSNP rs1910122648, ClinGen allele CA402464268.